The following is an entry in ClinVar:

NM_153704.6(TMEM67):c.731C>T (p.Thr244Ile)

Gene: TMEM67 (transmembrane protein 67; plus strand). Cytogenetic location: 8q22.1.
Variant type: single nucleotide variant.
Coding change: c.731C>T on transcript NM_153704.6 (MANE Select); coding-DNA position 731, C replaced by T.
Protein change: p.Thr244Ile; replaces threonine 244 with isoleucine.
Molecular consequence: missense variant. On other transcripts: non-coding transcript variant (1).
Genome position (GRCh38, 1-based): chr8:93,780,609, C>T. VCF-style: chr8-93780609-C-T. GRCh37 (hg19) VCF-style: chr8-94792837-C-T.
Other names: c.488C>T, p.Thr163Ile (NM_001142301.1); short protein forms T244I, T163I.
Identifiers: ClinVar variation 1520743 (VCV001520743.8), dbSNP rs1405448469, ClinGen allele CA371687727.

ClinVar aggregate classification (germline): Uncertain significance (1 of 4 stars; one submission).

Conditions:
Meckel-Gruber syndrome. Also called: DYSENCEPHALIA SPLANCHNOCYSTICA; GRUBER SYNDROME; Dysencephalia splachnocystica. Identifiers: Orphanet 564, MedGen C0265215, MONDO:0018921.
Joubert syndrome. Also called: CEREBELLOPARENCHYMAL DISORDER IV; JOUBERT-BOLTSHAUSER SYNDROME; Familial aplasia of the vermis. Identifiers: Orphanet 475, MedGen C5979921, MONDO:0018772.

Allele frequency attached by ClinVar (database versions not stated): gnomAD exomes below 0.00001.
gnomAD v4.1: 1 of 1,614,114 alleles (0.000062%); highest among the groups gnomAD compares: Non-Finnish European, 0.000085%; no homozygotes.

Submission:

Labcorp Genetics (formerly Invitae), Labcorp
Classification: Uncertain significance for Joubert syndrome; Meckel-Gruber syndrome. Last evaluated: 2021-03-27. Review status: criteria provided, single submitter. Criteria: Invitae Variant Classification Sherloc (09022015). Collection method: clinical testing. Allele origin: germline.
Comment: This sequence change replaces threonine with isoleucine at codon 244 of the TMEM67 protein (p.Thr244Ile). The threonine residue is highly conserved and there is a moderate physicochemical difference between threonine and isoleucine. This variant is not present in population databases (ExAC no frequency). In summary, the available evidence is currently insufficient to determine the role of this variant in disease. Therefore, it has been classified as a Variant of Uncertain Significance. Advanced modeling of protein sequence and biophysical properties (such as structural, functional, and spatial information, amino acid conservation, physicochemical variation, residue mobility, and thermodynamic stability) performed at Invitae indicates that this missense variant is expected to disrupt TMEM67 protein function. This variant has not been reported in the literature in individuals with TMEM67-related conditions.